The following is an entry in ClinVar:

ClinVar aggregate classification (germline): not provided. Review status: no classification provided (0 of 4 stars). 2 submissions from 1 submitter: not provided (2).

Conditions:
Preeclampsia. Identifiers: Orphanet 275555, MedGen C0032914, MONDO:0005081, HP:0100602.
Small for gestational age. Also called: Low birth weight. Identifiers: MedGen C0235991, HP:0001518.

Submissions (2):

Institute of Molecular and Cell Biology, University of Tartu
No classification provided. Condition: Small for gestational age. Review status: no classification provided. Collection method: case-control. Allele origin: unknown. Affected: yes. Study: Kasak2014.
Comment: The study aimed to determine the contribution of copy number variants in the genetic etiology of normal and complicated pregnancies. The samples represented (i) maternal blood DNA drawn from healthy pregnant women during 1st or 2nd trimester and (ii) maternal and paternal blood DNA drawn at term pregnancy cases representing normal and complicated gestations (severe preeclampsia, PE; gestational diabetes, GD; small-for-gestational age newborn, SGA; large-for-gestational age newborn, LGA). We performed CNV calling based on genome-wide genotyping dataset (Illumina HumanOmniExpress-24-v1 BeadChip) by applying three algorithms, QuantiSNP, GADA (Genome Alteration Detection Algorithm) and CNstream in parallel. The acquired CNV calls were merged with HD-CNV (Hotspot Detector for Copy Number Variants) program and only the CNVs predicted by at least two programs, were considered in subsequent analysis.

Institute of Molecular and Cell Biology, University of Tartu
No classification provided. Condition: Preeclampsia. Review status: no classification provided. Collection method: case-control. Allele origin: unknown. Affected: yes. Study: Kasak2014.
Comment: the same text as in the submission from Institute of Molecular and Cell Biology, University of Tartu above.

Literature cited by the submitters: PubMed 25666259.

NM_001010848.3(NRG3):c.824-173790_824-159316del

Gene: NRG3 (neuregulin 3; plus strand). Cytogenetic location: 10q23.1.
Variant type: Deletion.
Coding change: c.824-173790_824-159316del on transcript NM_001010848.3; 173790 bases into the intron before coding-DNA position 824 through 159316 bases into the intron before coding-DNA position 824, this stretch deleted.
Identifiers: ClinVar variation 157180 (VCV000157180.2).